The following is an entry in ClinVar:

ClinVar aggregate classification (germline): Uncertain significance (1 of 4 stars; one submission).

Conditions:
Arrhythmogenic right ventricular dysplasia 13. Also called: ARRHYTHMOGENIC RIGHT VENTRICULAR CARDIOMYOPATHY 13; Arrhythmogenic right ventricular dysplasia, familial, 13. Identifiers: MedGen C3810138, MONDO:0000908, OMIM 615616.

Allele frequency attached by ClinVar (database versions not stated): gnomAD exomes below 0.00001; ExAC 0.00001; ESP Exome Variant Server 0.00008.

Submission:

Labcorp Genetics (formerly Invitae), Labcorp
Classification: Uncertain significance for Arrhythmogenic right ventricular dysplasia 13. Last evaluated: 2025-10-02. Review status: criteria provided, single submitter. Criteria: Invitae Variant Classification Sherloc (09022015). Collection method: clinical testing. Allele origin: germline.
Comment: This sequence change replaces histidine, which is basic and polar, with tyrosine, which is neutral and polar, at codon 643 of the CTNNA3 protein (p.His643Tyr). This variant is present in population databases (rs141141746, gnomAD 0.0009%). This variant has not been reported in the literature in individuals affected with CTNNA3-related conditions. ClinVar contains an entry for this variant (Variation ID: 1053193). Invitae Evidence Modeling of protein sequence and biophysical properties (such as structural, functional, and spatial information, amino acid conservation, physicochemical variation, residue mobility, and thermodynamic stability) indicates that this missense variant is not expected to disrupt CTNNA3 protein function with a negative predictive value of 80%. In summary, the available evidence is currently insufficient to determine the role of this variant in disease. Therefore, it has been classified as a Variant of Uncertain Significance.

NM_013266.4(CTNNA3):c.1927C>T (p.His643Tyr)

Genes: CTNNA3 (catenin alpha 3; minus strand), CTNNA3-AS1 (CTNNA3 antisense RNA 1; plus strand). Cytogenetic location: 10q21.3.
Variant type: single nucleotide variant.
Coding change: c.1927C>T on transcript NM_013266.4 (MANE Select); coding-DNA position 1927, C replaced by T.
Protein change: p.His643Tyr; replaces histidine 643 with tyrosine.
Molecular consequence: missense variant.
Genome position (GRCh38, 1-based): chr10:66,103,207, G>A on the plus strand (C>T on the coding strand, the complement: CTNNA3 is on the minus strand). VCF-style: chr10-66103207-G-A. GRCh37 (hg19) VCF-style: chr10-67862965-G-A.
Other names: c.1927C>T, p.His643Tyr (NM_001127384.3); short protein forms H643Y.
Identifiers: ClinVar variation 1053193 (VCV001053193.9), dbSNP rs141141746, ClinGen allele CA5519758.